The following is an entry in ClinVar:

ClinVar aggregate classification (germline): Uncertain significance (1 of 4 stars; one submission).

Allele frequency attached by ClinVar (database versions not stated): gnomAD exomes below 0.00001 and 0.00002; TOPMed below 0.00001.
gnomAD v4.1: 32 of 1,613,262 alleles (0.002%); highest among the groups gnomAD compares: Non-Finnish European, 0.0025%; no homozygotes.

Submission:

Labcorp Genetics (formerly Invitae), Labcorp
Classification: Uncertain significance. Last evaluated: 2022-08-31. Review status: criteria provided, single submitter. Criteria: Invitae Variant Classification Sherloc (09022015). Collection method: clinical testing. Allele origin: germline.
Comment: This sequence change replaces arginine, which is basic and polar, with glutamine, which is neutral and polar, at codon 83 of the TBCK protein (p.Arg83Gln). This variant is present in population databases (rs776333518, gnomAD 0.003%). This variant has not been reported in the literature in individuals affected with TBCK-related conditions. ClinVar contains an entry for this variant (Variation ID: 1380990). Algorithms developed to predict the effect of missense changes on protein structure and function (SIFT, PolyPhen-2, Align-GVGD) all suggest that this variant is likely to be tolerated. In summary, the available evidence is currently insufficient to determine the role of this variant in disease. Therefore, it has been classified as a Variant of Uncertain Significance.

NM_001163435.3(TBCK):c.248G>A (p.Arg83Gln)

Gene: TBCK (TBC1 domain containing kinase; minus strand). Cytogenetic location: 4q24.
Variant type: single nucleotide variant.
Coding change: c.248G>A on transcript NM_001163435.3 (MANE Select); coding-DNA position 248, G replaced by A.
Protein change: p.Arg83Gln; replaces arginine 83 with glutamine.
Molecular consequence: missense variant. On other transcripts: 5 prime UTR variant (1).
Genome position (GRCh38, 1-based): chr4:106,295,112, C>T on the plus strand (G>A on the coding strand, the complement: TBCK is on the minus strand). VCF-style: chr4-106295112-C-T. GRCh37 (hg19) VCF-style: chr4-107216269-C-T.
Other names: c.248G>A, p.Arg83Gln (NM_001163436.4, NM_001163437.3, NM_033115.5); c.-370G>A (NM_001290768.2); short protein forms R83Q.
Identifiers: ClinVar variation 1380990 (VCV001380990.5), dbSNP rs776333518, ClinGen allele CA103420329.